The following is an entry in ClinVar:

ClinVar aggregate classification (germline): Uncertain significance (1 of 4 stars; one submission).

Conditions:
Mitochondrial hypertrophic cardiomyopathy with lactic acidosis due to MTO1 deficiency. Also called: CARDIOMYOPATHY, INFANTILE HYPERTROPHIC MITOCHONDRIAL, AND LACTIC ACIDOSIS; Combined oxidative phosphorylation deficiency 10. Identifiers: Orphanet 314637, MedGen C4749921, MONDO:0013865, OMIM 614702.

Allele frequency attached by ClinVar (database versions not stated): TOPMed 0.00001.
gnomAD v4.1: 3 of 1,608,774 alleles (0.00019%); highest among the groups gnomAD compares: African/African-American, 0.0013%; no homozygotes.

Submission:

Labcorp Genetics (formerly Invitae), Labcorp
Classification: Uncertain significance for Mitochondrial hypertrophic cardiomyopathy with lactic acidosis due to MTO1 deficiency. Last evaluated: 2023-08-30. Review status: criteria provided, single submitter. Criteria: Invitae Variant Classification Sherloc (09022015). Collection method: clinical testing. Allele origin: germline.
Comment: This sequence change replaces aspartic acid, which is acidic and polar, with asparagine, which is neutral and polar, at codon 549 of the MTO1 protein (p.Asp549Asn). In summary, the available evidence is currently insufficient to determine the role of this variant in disease. Therefore, it has been classified as a Variant of Uncertain Significance. Advanced modeling of protein sequence and biophysical properties (such as structural, functional, and spatial information, amino acid conservation, physicochemical variation, residue mobility, and thermodynamic stability) performed at Invitae indicates that this missense variant is not expected to disrupt MTO1 protein function. ClinVar contains an entry for this variant (Variation ID: 2181769). This variant has not been reported in the literature in individuals affected with MTO1-related conditions. This variant is present in population databases (rs754116708, gnomAD 0.007%).

NM_012123.4(MTO1):c.1645G>A (p.Asp549Asn)

Gene: MTO1 (mitochondrial tRNA translation optimization 1; plus strand). Cytogenetic location: 6q13.
Variant type: single nucleotide variant.
Coding change: c.1645G>A on transcript NM_012123.4 (MANE Select); coding-DNA position 1645, G replaced by A.
Protein change: p.Asp549Asn; replaces aspartic acid 549 with asparagine.
Molecular consequence: missense variant.
Genome position (GRCh38, 1-based): chr6:73,492,241, G>A. VCF-style: chr6-73492241-G-A. GRCh37 (hg19) VCF-style: chr6-74201964-G-A.
Other names: c.1765G>A, p.Asp589Asn (NM_001123226.2); c.1720G>A, p.Asp574Asn (NM_133645.3); short protein forms D549N, D574N, D589N.
Identifiers: ClinVar variation 2181769 (VCV002181769.4), dbSNP rs754116708, ClinGen allele CA140927721.